The following is an entry in ClinVar:

NM_016580.4(PCDH12):c.281G>A (p.Arg94Gln)

Genes: PCDH12 (protocadherin 12; minus strand), RNF14 (ring finger protein 14; plus strand). Cytogenetic location: 5q31.3.
Variant type: single nucleotide variant.
Coding change: c.281G>A on transcript NM_016580.4 (MANE Select); coding-DNA position 281, G replaced by A.
Protein change: p.Arg94Gln; replaces arginine 94 with glutamine.
Molecular consequence: missense variant.
Genome position (GRCh38, 1-based): chr5:141,957,571, C>T on the plus strand (G>A on the coding strand, the complement: PCDH12 is on the minus strand). VCF-style: chr5-141957571-C-T. GRCh37 (hg19) VCF-style: chr5-141337136-C-T.
Other names: c.281G>A (NM_016580.2); short protein forms R94Q.
Identifiers: ClinVar variation 1525539 (VCV001525539.7), dbSNP rs749737523, ClinGen allele CA3484593.

ClinVar aggregate classification (germline): Uncertain significance. Review status: criteria provided, multiple submitters, no conflicts (2 of 4 stars). 2 submissions from 2 submitters: Uncertain significance (2). Last evaluated 2025-11-24.

Conditions:
Inborn genetic diseases. Identifiers: MedGen C0950123, MeSH D030342.

gnomAD v4.1: 24 of 1,614,084 alleles (0.0015%); highest among the groups gnomAD compares: South Asian, 0.0022%; no homozygotes.

Submissions (2):

Ambry Genetics
Classification: Uncertain significance for Inborn genetic diseases. Last evaluated: 2025-11-24. Review status: criteria provided, single submitter. Criteria: Ambry Variant Classification Scheme 2023. Collection method: clinical testing. Allele origin: germline.

Labcorp Genetics (formerly Invitae), Labcorp
Classification: Uncertain significance. Last evaluated: 2022-06-05. Review status: criteria provided, single submitter. Criteria: Invitae Variant Classification Sherloc (09022015). Collection method: clinical testing. Allele origin: germline.
Comment: In summary, the available evidence is currently insufficient to determine the role of this variant in disease. Therefore, it has been classified as a Variant of Uncertain Significance. Advanced modeling of protein sequence and biophysical properties (such as structural, functional, and spatial information, amino acid conservation, physicochemical variation, residue mobility, and thermodynamic stability) performed at Invitae indicates that this missense variant is not expected to disrupt PCDH12 protein function. ClinVar contains an entry for this variant (Variation ID: 1525539). This variant has not been reported in the literature in individuals affected with PCDH12-related conditions. This variant is present in population databases (rs749737523, gnomAD 0.006%). This sequence change replaces arginine, which is basic and polar, with glutamine, which is neutral and polar, at codon 94 of the PCDH12 protein (p.Arg94Gln).